The following is an entry in ClinVar:

NM_020911.2(PLXNA4):c.594C>T (p.Thr198=)

Gene: PLXNA4 (plexin A4; minus strand). Cytogenetic location: 7q32.3.
Variant type: single nucleotide variant.
Coding change: c.594C>T on transcript NM_020911.2 (MANE Select); coding-DNA position 594, C replaced by T.
Protein change: p.Thr198=; no amino-acid change (threonine 198 retained).
Molecular consequence: synonymous variant.
Genome position (GRCh38, 1-based): chr7:132,508,100, G>A on the plus strand (C>T on the coding strand, the complement: PLXNA4 is on the minus strand). VCF-style: chr7-132508100-G-A. GRCh37 (hg19) VCF-style: chr7-132192859-G-A.
Other names: c.594C>T, p.Thr198= (NM_001105543.2, NM_001393897.1, NM_181775.4).
Identifiers: ClinVar variation 3358174 (VCV003358174.1).
Genomic context (GRCh38, chr7:132,508,100, plus strand): 5'-GAAGACGTACGCGAACATGCCATCCGCCTCAGAGTTCTTGGTCAGTTTCCGGCTGGAGAT[G>A]GTGGGAAAATACTCGGGCTTCCCATCCACTGCCGTGGCAATGAACAGCTTGTCATCCAGG-3'
Protein context (NP_065962.1, residues 188-208): AVDGKPEYFP[Thr198=]ISSRKLTKNS

ClinVar aggregate classification (germline): Likely benign (0 of 4 stars; one submission).

Conditions:
PLXNA4-related disorder. Also called: PLXNA4-related condition.

gnomAD v4.1: 8 of 1,614,082 alleles (0.0005%); highest among the groups gnomAD compares: Non-Finnish European, 0.00068%; no homozygotes.

Submission:

PreventionGenetics, part of Exact Sciences
Classification: Likely benign for PLXNA4-related condition. Last evaluated: 2021-09-20. Review status: no assertion criteria provided. Collection method: clinical testing. Allele origin: germline.
Comment: This variant is classified as likely benign based on ACMG/AMP sequence variant interpretation guidelines (Richards et al. 2015 PMID: 25741868, with internal and published modifications).